The following is an entry in ClinVar:

ClinVar aggregate classification (germline): Uncertain significance (1 of 4 stars; one submission).

Conditions:
Glanzmann thrombasthenia. Also called: Glanzmann's thrombasthenia; BLEEDING DISORDER, PLATELET-TYPE, 2; THROMBASTHENIA OF GLANZMANN AND NAEGELI; Thrombasthenia; PLATELET GLYCOPROTEIN IIb-IIIa DEFICIENCY. Identifiers: Orphanet 849, MedGen C0040015, MONDO:0100326.

Submission:

Labcorp Genetics (formerly Invitae), Labcorp
Classification: Uncertain significance for Glanzmann thrombasthenia. Last evaluated: 2023-04-06. Review status: criteria provided, single submitter. Criteria: Invitae Variant Classification Sherloc (09022015). Collection method: clinical testing. Allele origin: germline.
Comment: This sequence change replaces threonine, which is neutral and polar, with isoleucine, which is neutral and non-polar, at codon 525 of the ITGA2B protein (p.Thr525Ile). This variant is not present in population databases (gnomAD no frequency). This variant has not been reported in the literature in individuals affected with ITGA2B-related conditions. Advanced modeling of protein sequence and biophysical properties (such as structural, functional, and spatial information, amino acid conservation, physicochemical variation, residue mobility, and thermodynamic stability) performed at Invitae indicates that this missense variant is not expected to disrupt ITGA2B protein function. In summary, the available evidence is currently insufficient to determine the role of this variant in disease. Therefore, it has been classified as a Variant of Uncertain Significance.

NM_000419.5(ITGA2B):c.1574C>T (p.Thr525Ile)

Gene: ITGA2B (integrin subunit alpha 2b; minus strand). Cytogenetic location: 17q21.31.
Variant type: single nucleotide variant.
Coding change: c.1574C>T on transcript NM_000419.5 (MANE Select); coding-DNA position 1574, C replaced by T.
Protein change: p.Thr525Ile; replaces threonine 525 with isoleucine.
Molecular consequence: missense variant.
Genome position (GRCh38, 1-based): chr17:44,380,272, G>A on the plus strand (C>T on the coding strand, the complement: ITGA2B is on the minus strand). VCF-style: chr17-44380272-G-A. GRCh37 (hg19) VCF-style: chr17-42457640-G-A.
Other names: short protein forms T525I.
Identifiers: ClinVar variation 2888445 (VCV002888445.3), dbSNP rs2510079553, ClinGen allele CA399802515.